The following is an entry in ClinVar:

NM_004725.4(BUB3):c.709G>A (p.Val237Ile)

Gene: BUB3 (BUB3 mitotic checkpoint protein; plus strand). Cytogenetic location: 10q26.13.
Variant type: single nucleotide variant.
Coding change: c.709G>A on transcript NM_004725.4 (MANE Select); coding-DNA position 709, G replaced by A.
Protein change: p.Val237Ile; replaces valine 237 with isoleucine.
Molecular consequence: missense variant.
Genome position (GRCh38, 1-based): chr10:123,162,368, G>A. VCF-style: chr10-123162368-G-A. GRCh37 (hg19) VCF-style: chr10-124921884-G-A.
Other names: c.709G>A, p.Val237Ile (NM_001007793.3); short protein forms V237I.
Identifiers: ClinVar variation 1757139 (VCV001757139.3), dbSNP rs1299138257, ClinGen allele CA378626723.
Genomic context (GRCh38, chr10:123,162,368, plus strand): 5'-AAGAAGTATGCCTTCAAATGTCACAGACTAAAAGAAAATAATATTGAGCAGATTTACCCA[G>A]TCAATGCCATTTCTTTTCACAATATCCACAATACATTTGCCACAGGTAAAGTATGGCATG-3'
Protein context (NP_004716.1, residues 227-247): KENNIEQIYP[Val237Ile]NAISFHNIHN

ClinVar aggregate classification (germline): Uncertain significance (1 of 4 stars; one submission).

Allele frequency attached by ClinVar (database versions not stated): gnomAD exomes below 0.00001; gnomAD 0.00001.
gnomAD v4.1: 4 of 1,613,936 alleles (0.00025%); highest among the groups gnomAD compares: Admixed American, 0.0017%; no homozygotes.

Submission:

Ambry Genetics
Classification: Uncertain significance. Last evaluated: 2023-09-10. Review status: criteria provided, single submitter. Criteria: Ambry Variant Classification Scheme 2023. Collection method: clinical testing. Allele origin: germline.
Comment: The p.V237I variant (also known as c.709G>A), located in coding exon 5 of the BUB3 gene, results from a G to A substitution at nucleotide position 709. The valine at codon 237 is replaced by isoleucine, an amino acid with highly similar properties. This amino acid position is conserved. In addition, the in silico prediction for this alteration is inconclusive. Since supporting evidence is limited at this time, the clinical significance of this alteration remains unclear.